The following is an entry in ClinVar:

ClinVar aggregate classification (germline): Benign. Review status: criteria provided, single submitter (1 of 4 stars). 2 submissions from 2 submitters: Benign (1). 1 of the submissions does not count toward it. Last evaluated 2018-01-12.

Conditions:
KRT13-related disorder. Also called: KRT13-related condition.
White sponge nevus 2 (WSN2). Identifiers: MedGen C4014321, MONDO:0014346, OMIM 615785.

Allele frequency attached by ClinVar (database versions not stated): gnomAD 0.00025 and 0.00060; gnomAD exomes 0.00027 and 0.00046; ExAC 0.00032; ESP Exome Variant Server 0.00054; TOPMed 0.00103.
gnomAD v4.1: 754 of 1,614,056 alleles (0.047%); highest among the groups gnomAD compares: Non-Finnish European, 0.058%; 1 homozygote.

Submissions (2):

Illumina Laboratory Services, Illumina
Classification: Benign for White sponge nevus 2. Last evaluated: 2018-01-12. Review status: criteria provided, single submitter. Criteria: ICSL Variant Classification Criteria 13 December 2019. Collection method: clinical testing. Allele origin: germline.
Comment: This variant was observed in the ICSL laboratory as part of a predisposition screen in an ostensibly healthy population. It had not been previously curated by ICSL or reported in the Human Gene Mutation Database (HGMD: prior to June 1st, 2018), and was therefore a candidate for classification through an automated scoring system. Utilizing variant allele frequency, disease prevalence and penetrance estimates, and inheritance mode, an automated score was calculated to assess if this variant is too frequent to cause the disease. Based on the score and internal cut-off values, a variant classified as benign is not then subjected to further curation. The score for this variant resulted in a classification of benign for this disease.

PreventionGenetics, part of Exact Sciences
Classification: Likely benign for KRT13-related condition. Last evaluated: 2022-04-06. Review status: no assertion criteria provided. Collection method: clinical testing. Allele origin: germline. Not counted in ClinVar's aggregate classification.
Comment: This variant is classified as likely benign based on ACMG/AMP sequence variant interpretation guidelines (Richards et al. 2015 PMID: 25741868, with internal and published modifications).

NM_153490.3(KRT13):c.767G>A (p.Gly256Asp)

Gene: KRT13 (keratin 13; minus strand). Cytogenetic location: 17q21.2.
Variant type: single nucleotide variant.
Coding change: c.767G>A on transcript NM_153490.3 (MANE Select); coding-DNA position 767, G replaced by A.
Protein change: p.Gly256Asp; replaces glycine 256 with aspartic acid.
Molecular consequence: missense variant.
Genome position (GRCh38, 1-based): chr17:41,503,067, C>T on the plus strand (G>A on the coding strand, the complement: KRT13 is on the minus strand). VCF-style: chr17-41503067-C-T. GRCh37 (hg19) VCF-style: chr17-39659319-C-T.
Other names: c.767G>A, p.Gly256Asp (NM_002274.4); short protein forms G256D.
Identifiers: ClinVar variation 323088 (VCV000323088.7), dbSNP rs150947773, ClinGen allele CA8560651.